The following is an entry in ClinVar:

ClinVar aggregate classification (germline): Benign. Review status: criteria provided, multiple submitters, no conflicts (2 of 4 stars). 2 submissions from 2 submitters: Benign (2). Last evaluated 2017-04-27.

Conditions:
Intellectual developmental disorder, X-linked 93. Also called: MENTAL RETARDATION, X-LINKED, WITH MACROCEPHALY; Intellectual disability, X-linked 93. Identifiers: MedGen C1970841, MONDO:0010393, OMIM 300659.

Allele frequency attached by ClinVar (database versions not stated): 1000 Genomes Project 0.03682; gnomAD 0.04912 and 0.04941; TOPMed 0.04723; 1000 Genomes Project 30x 0.03892.

Submissions (2):

Illumina Laboratory Services, Illumina
Classification: Benign for Intellectual developmental disorder, X-linked 93. Last evaluated: 2017-04-27. Review status: criteria provided, single submitter. Criteria: ICSL Variant Classification Criteria 13 December 2019. Collection method: clinical testing. Allele origin: germline.
Comment: This variant was observed as part of a predisposition screen in an ostensibly healthy population. A literature search was performed for the gene, cDNA change, and amino acid change (where applicable). No publications were found based on this search. Allele frequency data from public databases was too high to be consistent with this variant causing disease. Therefore, this variant is classified as benign.

Breakthrough Genomics
Classification: Benign. Review status: criteria provided, single submitter. Criteria: ACMG Guidelines, 2015. Collection method: not provided. Allele origin: germline. Inheritance: X-linked inheritance. Affected: yes.

NM_153252.5(BRWD3):c.*5461T>G

Gene: BRWD3 (bromodomain and WD repeat domain containing 3; minus strand). Cytogenetic location: Xq21.1.
Variant type: single nucleotide variant.
Coding change: c.*5461T>G on transcript NM_153252.5 (MANE Select); 5461 bases downstream of the stop codon, T replaced by G.
Molecular consequence: 3 prime UTR variant.
Genome position (GRCh38, 1-based): chrX:80,671,148, A>C on the plus strand (T>G on the coding strand, the complement: BRWD3 is on the minus strand). VCF-style: chrX-80671148-A-C. GRCh37 (hg19) VCF-style: chrX-79926647-A-C.
Identifiers: ClinVar variation 368691 (VCV000368691.6), dbSNP rs41306245, ClinGen allele CA10654389.